The following is an entry in ClinVar:

NM_000348.4(SRD5A2):c.445+1G>A

Gene: SRD5A2 (steroid 5 alpha-reductase 2; minus strand). Cytogenetic location: 2p23.1.
Variant type: single nucleotide variant.
Coding change: c.445+1G>A on transcript NM_000348.4 (MANE Select); the canonical splice donor site of the intron after coding-DNA position 445, G replaced by A.
Molecular consequence: splice donor variant.
Genome position (GRCh38, 1-based): chr2:31,533,602, C>T on the plus strand (G>A on the coding strand, the complement: SRD5A2 is on the minus strand). VCF-style: chr2-31533602-C-T. GRCh37 (hg19) VCF-style: chr2-31758672-C-T.
Identifiers: ClinVar variation 4727442 (VCV004727442.1).

ClinVar aggregate classification (germline): Likely pathogenic (1 of 4 stars; one submission).

Conditions:
3-Oxo-5 alpha-steroid delta 4-dehydrogenase deficiency (PPSH). Also called: PSEUDOVAGINAL PERINEOSCROTAL HYPOSPADIAS; FAMILIAL INCOMPLETE MALE PSEUDOHERMAPHRODITISM, TYPE 2; MALE PSEUDOHERMAPHRODITISM DUE TO 5-ALPHA-REDUCTASE DEFICIENCY; 46,XY disorder of sex development due to 5-alpha-reductase 2 deficiency. Identifiers: Orphanet 753, MedGen C0268297, MONDO:0009923, OMIM 264600. Disease mechanism: loss of function.

gnomAD v4.1: 1 of 1,551,442 alleles (0.000064%); highest among the groups gnomAD compares: South Asian, 0.0012%; no homozygotes.

Submission:

Labcorp Genetics (formerly Invitae), Labcorp
Classification: Likely pathogenic for 3-Oxo-5 alpha-steroid delta 4-dehydrogenase deficiency. Last evaluated: 2025-09-22. Review status: criteria provided, single submitter. Criteria: Invitae Variant Classification Sherloc (09022015). Collection method: clinical testing. Allele origin: germline.
Comment: This sequence change affects a donor splice site in intron 2 of the SRD5A2 gene. It is expected to disrupt RNA splicing. Variants that disrupt the donor or acceptor splice site typically lead to a loss of protein function (PMID: 16199547), and loss-of-function variants in SRD5A2 are known to be pathogenic (PMID: 1406794, 1944596). This variant is present in population databases (no rsID available, gnomAD 0.004%). This variant has not been reported in the literature in individuals affected with SRD5A2-related conditions. Algorithms developed to predict the effect of sequence changes on RNA splicing suggest that this variant may disrupt the consensus splice site. In summary, the currently available evidence indicates that the variant is pathogenic, but additional data are needed to prove that conclusively. Therefore, this variant has been classified as Likely Pathogenic.

Literature cited by the submitters: PubMed 16199547; PubMed 1406794; PubMed 1944596.